The following is an entry in ClinVar:

ClinVar aggregate classification (germline): Likely pathogenic (1 of 4 stars; one submission).

Conditions:
Congenital disorder of glycosylation (CDG). Also called: Carbohydrate-deficient glycoprotein syndrome; Congenital disorders of glycosylation. Identifiers: Orphanet 137, MedGen C0282577, MONDO:0015286.

Allele frequency attached by ClinVar (database versions not stated): TOPMed below 0.00001.

Submission:

Laboratory for Molecular Medicine, Mass General Brigham Personalized Medicine
Classification: Likely pathogenic for Congenital disorder of glycosylation. Last evaluated: 2017-04-02. Review status: criteria provided, single submitter. Criteria: ACMG Guidelines, 2015. Collection method: clinical testing. Allele origin: germline.
Comment: The p.Cys307X variant in ALG3 has not been previously reported in individuals with disease and data from large population studies is insufficient to assess the frequency of this variant. This nonsense variant leads to a premature termination codon at position 307, which is predicted to lead to a truncated or absent protein. Loss of function variants in the ALG3 gene have been reported in individuals with congenital disorder of glycosylation 1d. In summary, although additional studies are required to fully establish its clinical significance, the p.Cys307X variant in ALG3 is likely pathogenic for congenital disorder of glycosylation in an autosomal recessive manner.

NM_005787.6(ALG3):c.921C>A (p.Cys307Ter)

Gene: ALG3 (ALG3 alpha-1,3- mannosyltransferase; minus strand). Cytogenetic location: 3q27.1.
Variant type: single nucleotide variant.
Coding change: c.921C>A on transcript NM_005787.6 (MANE Select); coding-DNA position 921, C replaced by A.
Protein change: p.Cys307Ter; replaces cysteine 307 with a stop codon.
Molecular consequence: nonsense. On other transcripts: non-coding transcript variant (2).
Genome position (GRCh38, 1-based): chr3:184,243,802, G>T on the plus strand (C>A on the coding strand, the complement: ALG3 is on the minus strand). VCF-style: chr3-184243802-G-T. GRCh37 (hg19) VCF-style: chr3-183961590-G-T.
Other names: c.777C>A, p.Cys259Ter (NM_001006941.2); c.816C>A, p.Cys272Ter (NM_001006942.1); short protein forms C259*, C272*, C307*.
Identifiers: ClinVar variation 3076030 (VCV003076030.1), dbSNP rs1718972826, ClinGen allele CA355418490.